The following is an entry in ClinVar:

NM_001183.6(ATP6AP1):c.245T>C (p.Leu82Pro)

Gene: ATP6AP1 (ATPase H+ transporting accessory protein 1; plus strand). Cytogenetic location: Xq28.
Variant type: single nucleotide variant.
Coding change: c.245T>C on transcript NM_001183.6 (MANE Select); coding-DNA position 245, T replaced by C.
Protein change: p.Leu82Pro; replaces leucine 82 with proline.
Molecular consequence: missense variant.
Genome position (GRCh38, 1-based): chrX:154,429,131, T>C. VCF-style: chrX-154429131-T-C. GRCh37 (hg19) VCF-style: chrX-153657477-T-C.
Other names: short protein forms L82P.
Identifiers: ClinVar variation 1675255 (VCV001675255.3), dbSNP rs2148221963, ClinGen allele CA415187975.
Genomic context (GRCh38, chrX:154,429,131, plus strand): 5'-ACACTCATGAAGGCCACATCACCAGCGACTTGCAGCTCTCTACCTACTTAGATCCCGCCC[T>C]GGAGCTGGGTCCCAGGAATGTGCTGCTGTTCCTGCAGGACAAGGTGCGCCCGCCCCAGCC-3'
Protein context (NP_001174.2, residues 72-92): LQLSTYLDPA[Leu82Pro]ELGPRNVLLF

ClinVar aggregate classification (germline): Uncertain significance (1 of 4 stars; one submission).

Submission:

GeneDx
Classification: Uncertain significance. Last evaluated: 2024-01-17. Review status: criteria provided, single submitter. Criteria: GeneDx Variant Classification Process June 2021. Collection method: clinical testing. Allele origin: germline. Affected: yes.
Comment: Not observed at significant frequency in large population cohorts (gnomAD); In silico analysis supports that this missense variant has a deleterious effect on protein structure/function; Has not been previously published as pathogenic or benign to our knowledge